The following is an entry in ClinVar:

NM_002485.5(NBN):c.1433G>A (p.Cys478Tyr)

Gene: NBN (nibrin; minus strand). Cytogenetic location: 8q21.3.
Variant type: single nucleotide variant.
Coding change: c.1433G>A on transcript NM_002485.5 (MANE Select); coding-DNA position 1433, G replaced by A.
Protein change: p.Cys478Tyr; replaces cysteine 478 with tyrosine.
Molecular consequence: missense variant.
Genome position (GRCh38, 1-based): chr8:89,953,656, C>T on the plus strand (G>A on the coding strand, the complement: NBN is on the minus strand). VCF-style: chr8-89953656-C-T. GRCh37 (hg19) VCF-style: chr8-90965884-C-T.
Other names: c.1187G>A, p.Cys396Tyr (NM_001024688.3); short protein forms C396Y, C478Y.
Identifiers: ClinVar variation 2624818 (VCV002624818.3), dbSNP rs2488234161, ClinGen allele CA371655860.
Genomic context (GRCh38, chr8:89,953,656, plus strand): 5'-GGTGTAGCAGGTTGTGTTTGTTCTAAAAGAGAACAAGACGTTTCTATTCTTGCTGATTTG[C>T]ATGAAGACATTTCTTGATTTTCTTCATCCCTTTCCCTTAGATTTAAAAAAAAAGAAGAAA-3'
Protein context (NP_002476.2, residues 468-488): RDEENQEMSS[Cys478Tyr]KSARIETSCS

ClinVar aggregate classification (germline): Uncertain significance (1 of 4 stars; one submission).

Conditions:
Hereditary cancer-predisposing syndrome. Also called: Tumor predisposition; Hereditary Cancer Syndrome; Hereditary neoplastic syndrome; Neoplastic Syndromes, Hereditary. Identifiers: Orphanet 140162, MedGen C0027672, MeSH D009386, MONDO:0015356.

Submission:

Ambry Genetics
Classification: Uncertain significance for Hereditary cancer-predisposing syndrome. Last evaluated: 2025-09-22. Review status: criteria provided, single submitter. Criteria: Ambry Variant Classification Scheme 2023. Collection method: clinical testing. Allele origin: germline.
Comment: The p.C478Y variant (also known as c.1433G>A), located in coding exon 11 of the NBN gene, results from a G to A substitution at nucleotide position 1433. The cysteine at codon 478 is replaced by tyrosine, an amino acid with highly dissimilar properties. This amino acid position is conserved. In addition, this alteration is predicted to be tolerated by in silico analysis. Since supporting evidence is limited at this time, the clinical significance of this alteration remains unclear.